The following is an entry in ClinVar:

NM_001194998.2(CEP152):c.2695-215C>G

Gene: CEP152 (centrosomal protein 152; minus strand). Cytogenetic location: 15q21.1.
Variant type: single nucleotide variant.
Coding change: c.2695-215C>G on transcript NM_001194998.2 (MANE Select); 215 bases into the intron before coding-DNA position 2695, C replaced by G.
Molecular consequence: intron variant.
Genome position (GRCh38, 1-based): chr15:48,756,768, G>C on the plus strand (C>G on the coding strand, the complement: CEP152 is on the minus strand). VCF-style: chr15-48756768-G-C. GRCh37 (hg19) VCF-style: chr15-49048965-G-C.
Other names: c.2695-215C>G (NM_014985.4).
Identifiers: ClinVar variation 678344 (VCV000678344.1), dbSNP rs1478348, ClinGen allele CA269538576.
Genomic context (GRCh38, chr15:48,756,768, plus strand): 5'-ACTATACTTACACTAAAATTGGTCAAAATATATACATAAATATGTTTATATGTATGTATA[G>C]ACACATAAACACTCACACATATAATTATATAATTAGCCAAAACTAATGTGAGAAAAAATT-3'

ClinVar aggregate classification (germline): Likely benign (1 of 4 stars; one submission).

Allele frequency attached by ClinVar (database versions not stated): gnomAD 0.03113 and 0.03739; TOPMed 0.04683; 1000 Genomes Project 30x 0.10493; 1000 Genomes Project 0.10543.
gnomAD v4.1: 5,670 of 152,062 alleles (3.7%); highest among the groups gnomAD compares: East Asian, 16%; 359 homozygotes.

Submission:

GeneDx
Classification: Likely benign. Last evaluated: 2018-06-16. Review status: criteria provided, single submitter. Criteria: GeneDx Variant Classification (06012015). Collection method: clinical testing. Allele origin: germline. Affected: yes.
Comment: This variant is considered likely benign or benign based on one or more of the following criteria: it is a conservative change, it occurs at a poorly conserved position in the protein, it is predicted to be benign by multiple in silico algorithms, and/or has population frequency not consistent with disease.